The following is an entry in ClinVar:

ClinVar aggregate classification (germline): Uncertain significance (1 of 4 stars; one submission).

Allele frequency attached by ClinVar (database versions not stated): gnomAD exomes below 0.00001; ExAC 0.00001; gnomAD 0.00001; TOPMed 0.00002; 1000 Genomes Project 30x 0.00021; 1000 Genomes Project 0.00026.
gnomAD v4.1: 5 of 1,210,420 alleles (0.00041%); highest among the groups gnomAD compares: African/African-American, 0.0052%; no homozygotes.

Submission:

Labcorp Genetics (formerly Invitae), Labcorp
Classification: Uncertain significance. Last evaluated: 2023-12-11. Review status: criteria provided, single submitter. Criteria: Invitae Variant Classification Sherloc (09022015). Collection method: clinical testing. Allele origin: germline.
Comment: This sequence change replaces alanine, which is neutral and non-polar, with aspartic acid, which is acidic and polar, at codon 613 of the AMER1 protein (p.Ala613Asp). This variant is present in population databases (rs748406545, gnomAD 0.008%), including at least one homozygous and/or hemizygous individual. This variant has not been reported in the literature in individuals affected with AMER1-related conditions. An algorithm developed to predict the effect of missense changes on protein structure and function (PolyPhen-2) suggests that this variant is likely to be disruptive. In summary, the available evidence is currently insufficient to determine the role of this variant in disease. Therefore, it has been classified as a Variant of Uncertain Significance.

NM_152424.4(AMER1):c.1838C>A (p.Ala613Asp)

Gene: AMER1 (APC membrane recruitment protein 1; minus strand). Cytogenetic location: Xq11.2.
Variant type: single nucleotide variant.
Coding change: c.1838C>A on transcript NM_152424.4 (MANE Select); coding-DNA position 1838, C replaced by A.
Protein change: p.Ala613Asp; replaces alanine 613 with aspartic acid.
Molecular consequence: missense variant.
Genome position (GRCh38, 1-based): chrX:64,191,449, G>T on the plus strand (C>A on the coding strand, the complement: AMER1 is on the minus strand). VCF-style: chrX-64191449-G-T. GRCh37 (hg19) VCF-style: chrX-63411329-G-T.
Other names: short protein forms A613D.
Identifiers: ClinVar variation 2897422 (VCV002897422.1), dbSNP rs748406545, ClinGen allele CA10432279.